The following is an entry in ClinVar:

ClinVar aggregate classification (germline): Likely benign. Review status: criteria provided, multiple submitters, no conflicts (2 of 4 stars). 2 submissions from 2 submitters: Likely benign (2). Last evaluated 2025-11-24.

Conditions:
Deficiency of isobutyryl-CoA dehydrogenase. Also called: ACAD8 DEFICIENCY; ACYL-CoA DEHYDROGENASE FAMILY, MEMBER 8, DEFICIENCY OF; IBD DEFICIENCY. Identifiers: Orphanet 79159, MedGen C1969809, MONDO:0012648, OMIM 611283.
ACAD8-related disorder. Also called: ACAD8-related condition.

Allele frequency attached by ClinVar (database versions not stated): gnomAD 0.00006 and 0.00007; TOPMed 0.00011; ExAC 0.00016.
gnomAD v4.1: 129 of 1,614,022 alleles (0.008%); highest among the groups gnomAD compares: Middle Eastern, 0.18%; 1 homozygote.

Submissions (2):

PreventionGenetics, part of Exact Sciences
Classification: Likely benign for ACAD8-related condition. Last evaluated: 2025-11-24. Review status: criteria provided, single submitter. Criteria: ACMG Guidelines, 2015. Collection method: clinical testing. Allele origin: germline.
Comment: This variant is classified as likely benign based on ACMG/AMP sequence variant interpretation guidelines (Richards et al. 2015 PMID: 25741868, with internal and published modifications).

Labcorp Genetics (formerly Invitae), Labcorp
Classification: Likely benign for Deficiency of isobutyryl-CoA dehydrogenase. Last evaluated: 2022-10-05. Review status: criteria provided, single submitter. Criteria: Invitae Variant Classification Sherloc (09022015). Collection method: clinical testing. Allele origin: germline.

NM_014384.3(ACAD8):c.984C>T (p.Ala328=)

Gene: ACAD8 (acyl-CoA dehydrogenase family member 8; plus strand). Cytogenetic location: 11q25.
Variant type: single nucleotide variant.
Coding change: c.984C>T on transcript NM_014384.3 (MANE Select); coding-DNA position 984, C replaced by T.
Protein change: p.Ala328=; no amino-acid change (alanine 328 retained).
Molecular consequence: synonymous variant.
Genome position (GRCh38, 1-based): chr11:134,261,782, C>T. VCF-style: chr11-134261782-C-T. GRCh37 (hg19) VCF-style: chr11-134131676-C-T.
Other names: c.984C>T (NM_014384.2).
Identifiers: ClinVar variation 1577390 (VCV001577390.9), dbSNP rs766640729, ClinGen allele CA6373186.
Genomic context (GRCh38, chr11:134,261,782, plus strand): 5'-GCTCCCTGTGCTGCAGTACTTGCAATTCACACTGGCTGATATGGCAACAAGGCTGGTGGC[C>T]GCGCGGCTGATGGTCCGCAATGCAGCAGTGGCTCTGCAGGAGGAGAGGAAGGATGCAGTG-3'
Protein context (NP_055199.1, residues 318-338): TLADMATRLV[Ala328=]ARLMVRNAAV